The following is an entry in ClinVar:

NM_006869.4(ADAP1):c.234C>T (p.Asn78=)

Gene: ADAP1 (ArfGAP with dual PH domains 1; minus strand). Cytogenetic location: 7p22.3.
Variant type: single nucleotide variant.
Coding change: c.234C>T on transcript NM_006869.4 (MANE Select); coding-DNA position 234, C replaced by T.
Protein change: p.Asn78=; no amino-acid change (asparagine 78 retained).
Molecular consequence: synonymous variant.
Genome position (GRCh38, 1-based): chr7:926,624, G>A on the plus strand (C>T on the coding strand, the complement: ADAP1 is on the minus strand). VCF-style: chr7-926624-G-A. GRCh37 (hg19) VCF-style: chr7-966260-G-A.
Other names: c.267C>T, p.Asn89= (NM_001284308.2); c.18C>T, p.Asn6= (NM_001284309.2, NM_001284310.2).
Identifiers: ClinVar variation 2657173 (VCV002657173.24), dbSNP rs142995759, ClinGen allele CA4113982.
Genomic context (GRCh38, chr7:926,624, plus strand): 5'-GGGCGTGGGCCGGTAGTAGAAGGAGGGTACTTTGGACTCAAACCTGGCTCTCGCGGCGTC[G>A]TTCCCGTGGGAGGCCATGAACTGCAAGAGAGGAGGGGCCGGGTCAGAGGCCTGGGGTCCC-3'
Protein context (NP_006860.2, residues 68-88): AQVEFMASHG[Asn78=]DAARARFESK

ClinVar aggregate classification (germline): Likely benign (1 of 4 stars; one submission).

Allele frequency attached by ClinVar (database versions not stated): ESP Exome Variant Server 0.00095; 1000 Genomes Project 30x 0.00141; gnomAD exomes 0.00151; 1000 Genomes Project 0.00180; gnomAD 0.00181; TOPMed 0.00286; ExAC 0.00452.
gnomAD v4.1: 2,492 of 1,543,436 alleles (0.16%); highest among the groups gnomAD compares: Middle Eastern, 1.6%; 18 homozygotes.

Submission:

CeGaT Center for Human Genetics Tuebingen
Classification: Likely benign. Last evaluated: 2022-12-01. Review status: criteria provided, single submitter. Criteria: CeGaT Center For Human Genetics Tuebingen Variant Classification Criteria Version 2. Collection method: clinical testing. Allele origin: germline. Affected: yes. Observed: 2 variant alleles.
Comment: ADAP1: BP4, BP7